The following is an entry in ClinVar:

NM_005085.4(NUP214):c.169A>C (p.Ser57Arg)

Gene: NUP214 (nucleoporin 214; plus strand). Cytogenetic location: 9q34.13.
Variant type: single nucleotide variant.
Coding change: c.169A>C on transcript NM_005085.4 (MANE Select); coding-DNA position 169, A replaced by C.
Protein change: p.Ser57Arg; replaces serine 57 with arginine.
Molecular consequence: missense variant.
Genome position (GRCh38, 1-based): chr9:131,127,647, A>C. VCF-style: chr9-131127647-A-C. GRCh37 (hg19) VCF-style: chr9-134003034-A-C.
Other names: c.169A>C, p.Ser57Arg (NM_001318324.2); short protein forms S57R.
Identifiers: ClinVar variation 2580563 (VCV002580563.2), dbSNP rs140604267, ClinGen allele CA5288573.

ClinVar aggregate classification (germline): Uncertain significance (1 of 4 stars; one submission).

Allele frequency attached by ClinVar (database versions not stated): gnomAD exomes 0.00004; ExAC 0.00012; ESP Exome Variant Server 0.00015; gnomAD 0.00045; TOPMed 0.00045; 1000 Genomes Project 30x 0.00062; 1000 Genomes Project 0.00080.
gnomAD v4.1: 136 of 1,614,166 alleles (0.0084%); highest among the groups gnomAD compares: African/African-American, 0.16%; no homozygotes.

Submission:

GeneDx
Classification: Uncertain significance. Last evaluated: 2025-09-26. Review status: criteria provided, single submitter. Criteria: GeneDx Variant Classification Process June 2021. Collection method: clinical testing. Allele origin: germline.
Comment: In silico analysis supports that this missense variant does not alter protein structure/function; Has not been previously published as pathogenic or benign to our knowledge